The following is an entry in ClinVar:

NM_018139.3(DNAAF2):c.416A>G (p.Tyr139Cys)

Gene: DNAAF2 (dynein axonemal assembly factor 2; minus strand). Cytogenetic location: 14q21.3.
Variant type: single nucleotide variant.
Coding change: c.416A>G on transcript NM_018139.3 (MANE Select); coding-DNA position 416, A replaced by G.
Protein change: p.Tyr139Cys; replaces tyrosine 139 with cysteine.
Molecular consequence: missense variant.
Genome position (GRCh38, 1-based): chr14:49,634,734, T>C on the plus strand (A>G on the coding strand, the complement: DNAAF2 is on the minus strand). VCF-style: chr14-49634734-T-C. GRCh37 (hg19) VCF-style: chr14-50101452-T-C.
Other names: c.416A>G, p.Tyr139Cys (NM_001083908.2); short protein forms Y139C.
Identifiers: ClinVar variation 454909 (VCV000454909.12), dbSNP rs761527467, ClinGen allele CA7173114.

ClinVar aggregate classification (germline): Uncertain significance. Review status: criteria provided, multiple submitters, no conflicts (2 of 4 stars). 3 submissions from 3 submitters: Uncertain significance (3). Last evaluated 2024-11-22.

Conditions:
Primary ciliary dyskinesia. Also called: Ciliary dyskinesia. Identifiers: Orphanet 244, MedGen C0008780, MONDO:0016575, HP:0012265.
Primary ciliary dyskinesia 10. Also called: CILIARY DYSKINESIA, PRIMARY, 10, WITH OR WITHOUT SITUS INVERSUS. Identifiers: Orphanet 244, MedGen C2675867, MONDO:0012918, OMIM 612518.

Allele frequency attached by ClinVar (database versions not stated): TOPMed 0.00005; gnomAD exomes 0.00006 and 0.00007; ExAC 0.00007; gnomAD 0.00008.
gnomAD v4.1: 112 of 1,604,544 alleles (0.007%); highest among the groups gnomAD compares: Non-Finnish European, 0.0092%; no homozygotes.

Submissions (3):

Blueprint Genetics
Classification: Uncertain significance. Last evaluated: 2024-11-22. Review status: criteria provided, single submitter. Criteria: ACMG Guidelines, 2015. Collection method: clinical testing. Allele origin: germline.

Labcorp Genetics (formerly Invitae), Labcorp
Classification: Uncertain significance for Primary ciliary dyskinesia. Last evaluated: 2022-07-27. Review status: criteria provided, single submitter. Criteria: Invitae Variant Classification Sherloc (09022015). Collection method: clinical testing. Allele origin: germline.
Comment: In summary, the available evidence is currently insufficient to determine the role of this variant in disease. Therefore, it has been classified as a Variant of Uncertain Significance. Algorithms developed to predict the effect of missense changes on protein structure and function are either unavailable or do not agree on the potential impact of this missense change (SIFT: "Tolerated"; PolyPhen-2: "Probably Damaging"; Align-GVGD: "Class C0"). ClinVar contains an entry for this variant (Variation ID: 454909). This variant has not been reported in the literature in individuals affected with DNAAF2-related conditions. This variant is present in population databases (rs761527467, gnomAD 0.01%). This sequence change replaces tyrosine, which is neutral and polar, with cysteine, which is neutral and slightly polar, at codon 139 of the DNAAF2 protein (p.Tyr139Cys).

Fulgent Genetics
Classification: Uncertain significance for Primary ciliary dyskinesia 10. Last evaluated: 2021-09-28. Review status: criteria provided, single submitter. Criteria: ACMG Guidelines, 2015. Collection method: clinical testing. Allele origin: unknown.